The following is an entry in ClinVar:

NM_002968.3(SALL1):c.3623G>A (p.Gly1208Asp)

Gene: SALL1 (spalt like transcription factor 1; minus strand). Cytogenetic location: 16q12.1.
Variant type: single nucleotide variant.
Coding change: c.3623G>A on transcript NM_002968.3 (MANE Select); coding-DNA position 3623, G replaced by A.
Protein change: p.Gly1208Asp; replaces glycine 1208 with aspartic acid.
Molecular consequence: missense variant.
Genome position (GRCh38, 1-based): chr16:51,137,464, C>T on the plus strand (G>A on the coding strand, the complement: SALL1 is on the minus strand). VCF-style: chr16-51137464-C-T. GRCh37 (hg19) VCF-style: chr16-51171375-C-T.
Other names: c.3332G>A, p.Gly1111Asp (NM_001127892.2); short protein forms G1111D, G1208D.
Identifiers: ClinVar variation 1307055 (VCV001307055.2), dbSNP rs771150548, ClinGen allele CA8052864.

ClinVar aggregate classification (germline): Uncertain significance (1 of 4 stars; one submission).

Allele frequency attached by ClinVar (database versions not stated): gnomAD exomes below 0.00001 and 0.00001; ExAC 0.00001; TOPMed 0.00001.
gnomAD v4.1: 4 of 1,614,036 alleles (0.00025%); highest among the groups gnomAD compares: Admixed American, 0.0067%; no homozygotes.

Submission:

GeneDx
Classification: Uncertain significance. Last evaluated: 2019-07-22. Review status: criteria provided, single submitter. Criteria: GeneDx Variant Classification Process June 2021. Collection method: clinical testing. Allele origin: germline. Affected: yes.
Comment: In silico analysis, which includes protein predictors and evolutionary conservation, supports a deleterious effect; Has not been previously published as pathogenic or benign to our knowledge